The following is an entry in ClinVar:

NM_022662.4(ANAPC1):c.2736A>G (p.Glu912=)

Gene: ANAPC1 (anaphase promoting complex subunit 1; minus strand). Cytogenetic location: 2q13.
Variant type: single nucleotide variant.
Coding change: c.2736A>G on transcript NM_022662.4 (MANE Select); coding-DNA position 2736, A replaced by G.
Protein change: p.Glu912=; no amino-acid change (glutamic acid 912 retained).
Molecular consequence: synonymous variant.
Genome position (GRCh38, 1-based): chr2:111,825,136, T>C on the plus strand (A>G on the coding strand, the complement: ANAPC1 is on the minus strand). VCF-style: chr2-111825136-T-C. GRCh37 (hg19) VCF-style: chr2-112582713-T-C.
Identifiers: ClinVar variation 2651266 (VCV002651266.25), dbSNP rs141439178, ClinGen allele CA1830064.

ClinVar aggregate classification (germline): Likely benign. Review status: criteria provided, multiple submitters, no conflicts (2 of 4 stars). 2 submissions from 2 submitters: Likely benign (2). Last evaluated 2025-07-01.

Allele frequency attached by ClinVar (database versions not stated): 1000 Genomes Project 0.00100; 1000 Genomes Project 30x 0.00125; TOPMed 0.00196; gnomAD 0.00204; ExAC 0.00286; gnomAD exomes 0.00335; ESP Exome Variant Server 0.00354.
gnomAD v4.1: 5,120 of 1,613,898 alleles (0.32%); highest among the groups gnomAD compares: Non-Finnish European, 0.41%; 10 homozygotes.

Submissions (2):

CeGaT Center for Human Genetics Tuebingen
Classification: Likely benign. Last evaluated: 2025-07-01. Review status: criteria provided, single submitter. Criteria: CeGaT Center For Human Genetics Tuebingen Variant Classification Criteria Version 2. Collection method: clinical testing. Allele origin: germline. Affected: yes. Observed: 3 variant alleles.
Comment: ANAPC1: BP4, BP7

Blueprint Genetics
Classification: Likely benign. Last evaluated: 2024-11-13. Review status: criteria provided, single submitter. Criteria: ACMG Guidelines, 2015. Collection method: clinical testing. Allele origin: germline.